The following is an entry in ClinVar:

NM_001286451.2(HDDC3):c.414G>A (p.Trp138Ter)

Genes: HDDC3 (HD domain containing 3; minus strand), UNC45A (unc-45 myosin chaperone A; plus strand). Cytogenetic location: 15q26.1.
Variant type: single nucleotide variant.
Coding change: c.414G>A on transcript NM_001286451.2 (MANE Select); coding-DNA position 414, G replaced by A.
Protein change: p.Trp138Ter; replaces tryptophan 138 with a stop codon.
Molecular consequence: nonsense. On other transcripts: 3 prime UTR variant (1), non-coding transcript variant (1), intron variant (1).
Genome position (GRCh38, 1-based): chr15:90,931,401, C>T on the plus strand (G>A on the coding strand, the complement: HDDC3 is on the minus strand). VCF-style: chr15-90931401-C-T. GRCh37 (hg19) VCF-style: chr15-91474631-C-T.
Other names: c.*142G>A (NM_198527.4); c.-760+1146C>T (NM_001039675.2); short protein forms W138*.
Identifiers: ClinVar variation 2645716 (VCV002645716.22), dbSNP rs117318472, ClinGen allele CA7742193.
Genomic context (GRCh38, chr15:90,931,401, plus strand): 5'-CTGAAGCCCCTTCACCACCTGCGCTGCCCACTCGAAGTATTCCTGGACTCGATGTTCTGA[C>T]CATCCTGCATAAGAGTCGACAGAAACTTGCTAGCGTGATGTCAAGGAAAGCACTGCCTTT-3'

ClinVar aggregate classification (germline): Likely benign (1 of 4 stars; one submission).

Allele frequency attached by ClinVar (database versions not stated): gnomAD exomes 0.00535; 1000 Genomes Project 30x 0.00125; TOPMed 0.00328; gnomAD 0.00340; ExAC 0.00610; 1000 Genomes Project 0.00120.
gnomAD v4.1: 8,095 of 1,582,088 alleles (0.51%); highest among the groups gnomAD compares: Non-Finnish European, 0.64%; 28 homozygotes.

Submission:

CeGaT Center for Human Genetics Tuebingen
Classification: Likely benign. Last evaluated: 2025-10-01. Review status: criteria provided, single submitter. Criteria: CeGaT Center For Human Genetics Tuebingen Variant Classification Criteria Version 2. Collection method: clinical testing. Allele origin: germline. Affected: yes. Observed: 3 variant alleles.
Comment: HDDC3: BS2